The following is an entry in ClinVar:

NM_002968.3(SALL1):c.239C>A (p.Ser80Tyr)

Gene: SALL1 (spalt like transcription factor 1; minus strand). Cytogenetic location: 16q12.1.
Variant type: single nucleotide variant.
Coding change: c.239C>A on transcript NM_002968.3 (MANE Select); coding-DNA position 239, C replaced by A.
Protein change: p.Ser80Tyr; replaces serine 80 with tyrosine.
Molecular consequence: missense variant. On other transcripts: 5 prime UTR variant (1).
Genome position (GRCh38, 1-based): chr16:51,141,983, G>T on the plus strand (C>A on the coding strand, the complement: SALL1 is on the minus strand). VCF-style: chr16-51141983-G-T. GRCh37 (hg19) VCF-style: chr16-51175894-G-T.
Other names: c.-53C>A (NM_001127892.2); short protein forms S80Y.
Identifiers: ClinVar variation 2712464 (VCV002712464.4), dbSNP rs370527770, ClinGen allele CA8053532.

ClinVar aggregate classification (germline): Conflicting classifications of pathogenicity. Review status: criteria provided, conflicting classifications (1 of 4 stars). 2 submissions from 2 submitters: Uncertain significance (1); Likely benign (1). Last evaluated 2026-02-17.

Conditions:
Townes syndrome (TBS). Also called: Townes-Brocks syndrome. Identifiers: Orphanet 857, MedGen C0265246, MeSH C536974, MONDO:0007142.
SALL1-related disorder. Also called: SALL1-related condition.

Allele frequency attached by ClinVar (database versions not stated): ExAC 0.00003; gnomAD 0.00003; TOPMed 0.00004; gnomAD exomes 0.00006; ESP Exome Variant Server 0.00008.
gnomAD v4.1: 88 of 1,613,888 alleles (0.0055%); highest among the groups gnomAD compares: Non-Finnish European, 0.0072%; no homozygotes.

Submissions (2):

PreventionGenetics, part of Exact Sciences
Classification: Likely benign for SALL1-related condition. Last evaluated: 2026-02-17. Review status: criteria provided, single submitter. Criteria: ACMG Guidelines, 2015. Collection method: clinical testing. Allele origin: germline.
Comment: This variant is classified as likely benign based on ACMG/AMP sequence variant interpretation guidelines (Richards et al. 2015 PMID: 25741868, with internal and published modifications).

Labcorp Genetics (formerly Invitae), Labcorp
Classification: Uncertain significance for Townes syndrome. Last evaluated: 2022-12-06. Review status: criteria provided, single submitter. Criteria: Invitae Variant Classification Sherloc (09022015). Collection method: clinical testing. Allele origin: germline.
Comment: In summary, the available evidence is currently insufficient to determine the role of this variant in disease. Therefore, it has been classified as a Variant of Uncertain Significance. Advanced modeling of protein sequence and biophysical properties (such as structural, functional, and spatial information, amino acid conservation, physicochemical variation, residue mobility, and thermodynamic stability) has been performed at Invitae for this missense variant, however the output from this modeling did not meet the statistical confidence thresholds required to predict the impact of this variant on SALL1 protein function. This variant has not been reported in the literature in individuals affected with SALL1-related conditions. This variant is present in population databases (rs370527770, gnomAD 0.007%). This sequence change replaces serine, which is neutral and polar, with tyrosine, which is neutral and polar, at codon 80 of the SALL1 protein (p.Ser80Tyr).